The following is an entry in ClinVar:

ClinVar aggregate classification (germline): Uncertain significance (1 of 4 stars; one submission).

Submission:

Labcorp Genetics (formerly Invitae), Labcorp
Classification: Uncertain significance. Last evaluated: 2025-08-04. Review status: criteria provided, single submitter. Criteria: Invitae Variant Classification Sherloc (09022015). Collection method: clinical testing. Allele origin: germline.
Comment: This variant, c.152_160dup, results in the insertion of 3 amino acid(s) of the DLX6 protein (p.Pro51_Pro53dup), but otherwise preserves the integrity of the reading frame. This variant is not present in population databases (gnomAD no frequency). This variant has not been reported in the literature in individuals affected with DLX6-related conditions. Experimental studies and prediction algorithms are not available or were not evaluated, and the functional significance of this variant is currently unknown. In summary, the available evidence is currently insufficient to determine the role of this variant in disease. Therefore, it has been classified as a Variant of Uncertain Significance.

NM_005222.4(DLX6):c.134CGC[12] (p.Pro51_Pro53dup)

Genes: DLX6 (distal-less homeobox 6; plus strand), DLX6-AS1 (DLX6 antisense RNA 1; minus strand). Cytogenetic location: 7q21.3.
Variant type: Microsatellite.
Coding change: c.134CGC[12] on transcript NM_005222.4 (MANE Select); 12 copies in a row of the 3-base unit CGC starting at c.134; the reference has nine copies in a row; three copies, 9 bases duplicated.
Protein change: p.Pro51_Pro53dup.
Molecular consequence: inframe insertion.
Genome position (GRCh38, 1-based): chr7:97,006,129-97,006,137, CGCCGCCGC duplicated; duplicating any 9 consecutive bases within chr7:97,006,109-97,006,137 gives the same sequence; the position shown is the placement nearest the transcript's 3' end. VCF-style (leftmost placement, unchanged base first): chr7-97006108-A-AGCCGCCGCC. GRCh37 (hg19) VCF-style: chr7-96635420-A-AGCCGCCGCC.
Identifiers: ClinVar variation 1353901 (VCV001353901.6), dbSNP rs559903070, ClinGen allele CA844266429.